The following is an entry in ClinVar:

ClinVar aggregate classification (germline): Pathogenic. Review status: criteria provided, multiple submitters, no conflicts (2 of 4 stars). 2 submissions from 2 submitters: Pathogenic (2). Last evaluated 2025-12-14.

Conditions:
Cardiovascular phenotype. Identifiers: MedGen CN230736.
Hereditary hemorrhagic telangiectasia (HHT). Also called: ORW DISEASE; Osler Weber Rendu syndrome; OSLER-RENDU-WEBER DISEASE; Osler hemorrhagic telangiectasia syndrome. Identifiers: Orphanet 774, MedGen C0039445, MONDO:0019180. Disease mechanism: loss of function.

Submissions (2):

Labcorp Genetics (formerly Invitae), Labcorp
Classification: Pathogenic for Hereditary hemorrhagic telangiectasia. Last evaluated: 2025-12-14. Review status: criteria provided, single submitter. Criteria: Invitae Variant Classification Sherloc (09022015). Collection method: clinical testing. Allele origin: germline.
Comment: This sequence change creates a premature translational stop signal (p.Trp91*) in the ENG gene. It is expected to result in an absent or disrupted protein product. Loss-of-function variants in ENG are known to be pathogenic (PMID: 15879500). This variant is not present in population databases (gnomAD no frequency). This variant has not been reported in the literature in individuals affected with ENG-related conditions. ClinVar contains an entry for this variant (Variation ID: 1795278). For these reasons, this variant has been classified as Pathogenic.

Ambry Genetics
Classification: Pathogenic for Cardiovascular phenotype. Last evaluated: 2021-09-30. Review status: criteria provided, single submitter. Criteria: Ambry Variant Classification Scheme 2023. Collection method: clinical testing. Allele origin: germline.
Comment: The p.W91* pathogenic mutation (also known as c.272G>A), located in coding exon 3 of the ENG gene, results from a G to A substitution at nucleotide position 272. This changes the amino acid from a tryptophan to a stop codon within coding exon 3. This variant is considered to be rare based on population cohorts in the Genome Aggregation Database (gnomAD). In addition, this alteration is expected to result in loss of function by premature protein truncation or nonsense-mediated mRNA decay. As such, this alteration is interpreted as a disease-causing mutation.

Literature cited by the submitters: PubMed 15879500 (cited by Labcorp Genetics (formerly Invitae), Labcorp).

NM_001114753.3(ENG):c.272G>A (p.Trp91Ter)

Gene: ENG (endoglin; minus strand). Cytogenetic location: 9q34.11.
Variant type: single nucleotide variant.
Coding change: c.272G>A on transcript NM_001114753.3 (MANE Select); coding-DNA position 272, G replaced by A.
Protein change: p.Trp91Ter; replaces tryptophan 91 with a stop codon.
Molecular consequence: nonsense. On other transcripts: 5 prime UTR variant (1).
Genome position (GRCh38, 1-based): chr9:127,829,775, C>T on the plus strand (G>A on the coding strand, the complement: ENG is on the minus strand). VCF-style: chr9-127829775-C-T. GRCh37 (hg19) VCF-style: chr9-130592054-C-T.
Other names: c.272G>A, p.Trp91Ter (NM_000118.4, NM_001406715.1); c.-275G>A (NM_001278138.2); short protein forms W91*.
Identifiers: ClinVar variation 1795278 (VCV001795278.5), dbSNP rs2539083228, ClinGen allele CA374986198.